The following is an entry in ClinVar:

NM_000019.4(ACAT1):c.217C>T (p.Gln73Ter)

Gene: ACAT1 (acetyl-CoA acetyltransferase 1; plus strand). Cytogenetic location: 11q22.3.
Variant type: single nucleotide variant.
Coding change: c.217C>T on transcript NM_000019.4 (MANE Select); coding-DNA position 217, C replaced by T.
Protein change: p.Gln73Ter; replaces glutamine 73 with a stop codon.
Molecular consequence: nonsense. On other transcripts: non-coding transcript variant (2), intron variant (1), 5 prime UTR variant (10).
Genome position (GRCh38, 1-based): chr11:108,133,916, C>T. VCF-style: chr11-108133916-C-T. GRCh37 (hg19) VCF-style: chr11-108004643-C-T.
Other names: c.217C>T (NM_000019.3); c.120+1962C>T (NM_001386678.1); c.217C>T, p.Gln73Ter (NM_001386677.1); c.-61C>T (NM_001386679.1); c.-54C>T (NM_001386681.1, NM_001386682.1, NM_001386685.1 and 6 more transcripts); short protein forms Q73*.
Identifiers: ClinVar variation 2829134 (VCV002829134.5), dbSNP rs2496581880, ClinGen allele CA382506401.
Genomic context (GRCh38, chr11:108,133,916, plus strand): 5'-GGATCTTTTTTAGGCAGCCTTTCCTTGCTGCCAGCCACTAAGCTTGGTTCCATTGCAATT[C>T]AGGGAGCCATTGAAAAGGCAGGTCAGTAGTTACTTGGCTTTTTGTGTTAAGGGAGCAAAA-3'

ClinVar aggregate classification (germline): Pathogenic/Likely pathogenic. Review status: criteria provided, multiple submitters, no conflicts (2 of 4 stars). 3 submissions from 3 submitters: Pathogenic (2); Likely pathogenic (1). Last evaluated 2025-10-17.

Conditions:
Deficiency of acetyl-CoA acetyltransferase. Also called: Beta-ketothiolase deficiency; 3-KETOTHIOLASE DEFICIENCY; 3-OXOTHIOLASE DEFICIENCY; MITOCHONDRIAL ACETOACETYL-CoA THIOLASE DEFICIENCY. Identifiers: Orphanet 134, MedGen C1536500, MONDO:0008760, OMIM 203750. Disease mechanism: loss of function.

Allele frequency attached by ClinVar (database versions not stated): gnomAD exomes below 0.00001.
gnomAD v4.1: 1 of 1,613,994 alleles (0.000062%); highest among the groups gnomAD compares: Non-Finnish European, 0.000085%; no homozygotes.

Submissions (3):

Natera, Inc.
Classification: Likely pathogenic for Alpha-methylacetoacetic aciduria. Last evaluated: 2025-10-17. Review status: criteria provided, single submitter. Criteria: Natera Variant Classification Schema (03/2026). Collection method: clinical testing. Allele origin: germline.
Comment: The c.217C>T variant in ACAT1 is a nonsense variant predicted to introduce a stop codon at amino acid 73. This variant is expected to result in nonsense mediated decay, truncation, or a dysfunctional protein product. This variant is rare in the general population with a frequency below the threshold expected for the associated phenotype(s). Given the available evidence, this variant is classified as Likely Pathogenic.

Myriad Genetics, Inc.
Classification: Pathogenic for Deficiency of acetyl-CoA acetyltransferase. Last evaluated: 2024-12-03. Review status: criteria provided, single submitter. Criteria: Myriad Autosomal Dominant, Autosomal Recessive and X-Linked Classification Criteria (2023). Collection method: clinical testing. Allele origin: unknown.
Comment: NM_000019.3(ACAT1):c.217C>T(Q73*) is expected to be pathogenic in the context of beta-ketothiolase deficiency. This variant is predicted to lead to an abnormal or absent protein product due to the creation of a premature termination codon in ACAT1, a gene where loss-of-function variants are known to be pathogenic. Please note: this variant was assessed in the context of healthy population screening.

Labcorp Genetics (formerly Invitae), Labcorp
Classification: Pathogenic for Deficiency of acetyl-CoA acetyltransferase. Last evaluated: 2023-01-16. Review status: criteria provided, single submitter. Criteria: Invitae Variant Classification Sherloc (09022015). Collection method: clinical testing. Allele origin: germline.
Comment: For these reasons, this variant has been classified as Pathogenic. Algorithms developed to predict the effect of sequence changes on RNA splicing suggest that this variant may disrupt the consensus splice site. This variant has not been reported in the literature in individuals affected with ACAT1-related conditions. This variant is not present in population databases (gnomAD no frequency). This sequence change creates a premature translational stop signal (p.Gln73*) in the ACAT1 gene. It is expected to result in an absent or disrupted protein product. Loss-of-function variants in ACAT1 are known to be pathogenic (PMID: 7749408).

Literature cited by the submitters: PubMed 7749408 (cited by Labcorp Genetics (formerly Invitae), Labcorp).